The following is an entry in ClinVar:

ClinVar aggregate classification (germline): Likely benign. Review status: criteria provided, multiple submitters, no conflicts (2 of 4 stars). 4 submissions from 4 submitters: Likely benign (4). Last evaluated 2025-10-14.

Conditions:
Ehlers-Danlos syndrome (EDS). Identifiers: Orphanet 98249, MedGen C0013720, MONDO:0020066.
Congenital contractural arachnodactyly (CCA). Also called: BEALS SYNDROME; Beals-Hecht syndrome; Arthrogryposis, distal, type 9. Identifiers: Orphanet 115, MedGen C0220668, MONDO:0007363, OMIM 121050.
Familial thoracic aortic aneurysm and aortic dissection (TAAD). Also called: Thoracic aortic aneurysms and dissections. Identifiers: Orphanet 91387, MedGen C4707243, MONDO:0019625.

Allele frequency attached by ClinVar (database versions not stated): gnomAD exomes 0.00004 and 0.00001; ExAC 0.00006; gnomAD 0.00002.
gnomAD v4.1: 21 of 1,607,190 alleles (0.0013%); highest among the groups gnomAD compares: Admixed American, 0.01%; no homozygotes.

Submissions (4):

Labcorp Genetics (formerly Invitae), Labcorp
Classification: Likely benign for Congenital contractural arachnodactyly. Last evaluated: 2025-10-14. Review status: criteria provided, single submitter. Criteria: Invitae Variant Classification Sherloc (09022015). Collection method: clinical testing. Allele origin: germline.

Ambry Genetics
Classification: Likely benign for Familial thoracic aortic aneurysm and aortic dissection. Last evaluated: 2024-01-02. Review status: criteria provided, single submitter. Criteria: Ambry Variant Classification Scheme 2023. Collection method: clinical testing. Allele origin: germline.

Genome Diagnostics Laboratory, The Hospital for Sick Children
Classification: Likely benign for Ehlers-Danlos syndrome. Last evaluated: 2020-12-23. Review status: criteria provided, single submitter. Criteria: ACMG Guidelines, 2015. Collection method: clinical testing. Allele origin: germline.

GeneDx
Classification: Likely benign. Last evaluated: 2016-10-18. Review status: criteria provided, single submitter. Criteria: GeneDx Variant Classification (06012015). Collection method: clinical testing. Allele origin: germline. Affected: yes.
Comment: This variant is considered likely benign or benign based on one or more of the following criteria: it is a conservative change, it occurs at a poorly conserved position in the protein, it is predicted to be benign by multiple in silico algorithms, and/or has population frequency not consistent with disease.

NM_001999.4(FBN2):c.6G>C (p.Gly2=)

Gene: FBN2 (fibrillin 2; minus strand). Cytogenetic location: 5q23.3.
Variant type: single nucleotide variant.
Coding change: c.6G>C on transcript NM_001999.4 (MANE Select); coding-DNA position 6, G replaced by C.
Protein change: p.Gly2=; no amino-acid change (glycine 2 retained).
Molecular consequence: synonymous variant.
Genome position (GRCh38, 1-based): chr5:128,537,598, C>G on the plus strand (G>C on the coding strand, the complement: FBN2 is on the minus strand). VCF-style: chr5-128537598-C-G. GRCh37 (hg19) VCF-style: chr5-127873291-C-G.
Identifiers: ClinVar variation 390096 (VCV000390096.14), dbSNP rs746567292, ClinGen allele CA3396248.